The following is an entry in ClinVar:

ClinVar aggregate classification (germline): Uncertain significance (1 of 4 stars; one submission).

Submission:

Labcorp Genetics (formerly Invitae), Labcorp
Classification: Uncertain significance. Last evaluated: 2022-08-23. Review status: criteria provided, single submitter. Criteria: Invitae Variant Classification Sherloc (09022015). Collection method: clinical testing. Allele origin: germline.
Comment: This sequence change replaces valine, which is neutral and non-polar, with phenylalanine, which is neutral and non-polar, at codon 1323 of the OTOG protein (p.Val1323Phe). This variant is not present in population databases (gnomAD no frequency). This variant has not been reported in the literature in individuals affected with OTOG-related conditions. Algorithms developed to predict the effect of missense changes on protein structure and function are either unavailable or do not agree on the potential impact of this missense change (SIFT: "Deleterious"; PolyPhen-2: "Possibly Damaging"; Align-GVGD: "Class C0"). Algorithms developed to predict the effect of sequence changes on RNA splicing suggest that this variant may create or strengthen a splice site. In summary, the available evidence is currently insufficient to determine the role of this variant in disease. Therefore, it has been classified as a Variant of Uncertain Significance.

NM_001292063.2(OTOG):c.3931G>T (p.Val1311Phe)

Gene: OTOG (otogelin; plus strand). Cytogenetic location: 11p15.1.
Variant type: single nucleotide variant.
Coding change: c.3931G>T on transcript NM_001292063.2 (MANE Select); coding-DNA position 3931, G replaced by T.
Protein change: p.Val1311Phe; replaces valine 1311 with phenylalanine.
Molecular consequence: missense variant.
Genome position (GRCh38, 1-based): chr11:17,605,910, G>T. VCF-style: chr11-17605910-G-T. GRCh37 (hg19) VCF-style: chr11-17627457-G-T.
Other names: c.3967G>T, p.Val1323Phe (NM_001277269.2); short protein forms V1323F, V1311F.
Identifiers: ClinVar variation 2100028 (VCV002100028.4), dbSNP rs778865165, ClinGen allele CA379791577.